The following is an entry in ClinVar:

NM_022041.4(GAN):c.159G>T (p.Pro53=)

Genes: GAN (gigaxonin; plus strand), LOC130059498 (ATAC-STARR-seq lymphoblastoid silent region 7753; plus strand). Cytogenetic location: 16q23.2.
Variant type: single nucleotide variant.
Coding change: c.159G>T on transcript NM_022041.4 (MANE Select); coding-DNA position 159, G replaced by T.
Protein change: p.Pro53=; no amino-acid change (proline 53 retained).
Molecular consequence: synonymous variant. On other transcripts: 5 prime UTR variant (1).
Genome position (GRCh38, 1-based): chr16:81,315,272, G>T. VCF-style: chr16-81315272-G-T. GRCh37 (hg19) VCF-style: chr16-81348877-G-T.
Other names: c.-366G>T (NM_001377486.1).
Identifiers: ClinVar variation 389206 (VCV000389206.12), dbSNP rs753351243, ClinGen allele CA8191262.

ClinVar aggregate classification (germline): Benign/Likely benign. Review status: criteria provided, multiple submitters, no conflicts (2 of 4 stars). 3 submissions from 3 submitters: Benign (1); Likely benign (2). Last evaluated 2019-12-13.

Conditions:
Inborn genetic diseases. Identifiers: MedGen C0950123, MeSH D030342.
Giant axonal neuropathy 1 (GAN1). Also called: GIANT AXONAL NEUROPATHY 1, AUTOSOMAL RECESSIVE; GAN-Related Neurodegeneration. Identifiers: Orphanet 643, MedGen C1850386, MONDO:0009749, OMIM 256850.

Allele frequency attached by ClinVar (database versions not stated): gnomAD 0.00002 and 0.00003; TOPMed 0.00004.
gnomAD v4.1: 50 of 1,557,314 alleles (0.0032%); highest among the groups gnomAD compares: Admixed American, 0.049%; no homozygotes.

Submissions (3):

Labcorp Genetics (formerly Invitae), Labcorp
Classification: Benign for Giant axonal neuropathy 1. Last evaluated: 2019-12-13. Review status: criteria provided, single submitter. Criteria: Invitae Variant Classification Sherloc (09022015). Collection method: clinical testing. Allele origin: germline.

Ambry Genetics
Classification: Likely benign for Inborn genetic diseases. Last evaluated: 2019-07-11. Review status: criteria provided, single submitter. Criteria: Ambry Variant Classification Scheme 2023. Collection method: clinical testing. Allele origin: germline.

GeneDx
Classification: Likely benign. Last evaluated: 2016-09-07. Review status: criteria provided, single submitter. Criteria: GeneDx Variant Classification (06012015). Collection method: clinical testing. Allele origin: germline. Affected: yes.
Comment: This variant is considered likely benign or benign based on one or more of the following criteria: it is a conservative change, it occurs at a poorly conserved position in the protein, it is predicted to be benign by multiple in silico algorithms, and/or has population frequency not consistent with disease.